The following is an entry in ClinVar:

NM_000492.4(CFTR):c.535C>T (p.Gln179Ter)

Gene: CFTR (CF transmembrane conductance regulator; plus strand). Cytogenetic location: 7q31.2.
Variant type: single nucleotide variant.
Coding change: c.535C>T on transcript NM_000492.4 (MANE Select); coding-DNA position 535, C replaced by T.
Protein change: p.Gln179Ter; replaces glutamine 179 with a stop codon.
Molecular consequence: nonsense.
Genome position (GRCh38, 1-based): chr7:117,534,321, C>T. VCF-style: chr7-117534321-C-T. GRCh37 (hg19) VCF-style: chr7-117174375-C-T.
Other names: short protein forms Q179*.
Identifiers: ClinVar variation 1706051 (VCV001706051.3), dbSNP rs367850319, ClinGen allele CA4450753.
Genomic context (GRCh38, chr7:117,534,321, plus strand): 5'-CCATTTTTCTTTTAGACTTTAAAGCTGTCAAGCCGTGTTCTAGATAAAATAAGTATTGGA[C>T]AACTTGTTAGTCTCCTTTCCAACAACCTGAACAAATTTGATGAAGTATGTACCTATTGAT-3'

ClinVar aggregate classification (germline): Pathogenic/Likely pathogenic. Review status: criteria provided, multiple submitters, no conflicts (2 of 4 stars). 3 submissions from 3 submitters: Pathogenic (2); Likely pathogenic (1). Last evaluated 2025-12-06.

Conditions:
CFTR-related disorder (CFTR-RD). Also called: CFTR-related condition; CFTR-related disorders. Identifiers: MedGen C5924204, MONDO:7770004.
Cystic fibrosis (CF). Also called: MUCOVISCIDOSIS. Identifiers: Orphanet 586, MedGen C0010674, MONDO:0009061, OMIM 219700. Disease mechanism: loss of function.

Submissions (3):

Dasa
Classification: Pathogenic. Last evaluated: 2025-12-06. Review status: criteria provided, single submitter. Criteria: DASA Assertion Criteria. Collection method: clinical testing. Allele origin: germline.
Comment: NM_000492.4(CFTR):c.535C>T (p.Gln179*) introduces a premature termination codon predicted to result in loss of normal protein function. Loss-of-function is an established mechanism of disease for this gene. This variant has been observed in affected individuals with related phenotype in a genotype context consistent with recessive disease. The variant is present at low frequency in population datasets. Based on the available data, this variant is classified as pathogenic.

Natera, Inc.
Classification: Likely pathogenic for CFTR-related disorders. Last evaluated: 2024-12-22. Review status: criteria provided, single submitter. Criteria: Natera Variant Classification Schema (03/2026). Collection method: clinical testing. Allele origin: germline.
Comment: The c.535C>T variant in CFTR is a nonsense variant predicted to introduce a stop codon at amino acid 179. This variant is expected to result in nonsense mediated decay, truncation, or a dysfunctional protein product. This variant is rare in the general population with a frequency below the threshold expected for the associated phenotype(s). Given the available evidence, this variant is classified as Likely Pathogenic.

Institute of Human Genetics, University of Leipzig Medical Center
Classification: Pathogenic for Cystic fibrosis. Last evaluated: 2022-09-05. Review status: criteria provided, single submitter. Criteria: ACMG Guidelines, 2015. Collection method: curation. Allele origin: unknown. Affected: yes. Observed: 2 variant alleles.
Comment: This variant was identified in 2 unrelated patients with a clinically confirmed diagnosis of cystic fibrosis. The variant was classified in the context of a project re-classifying variants in the German Cystic Fibrosis Registry (Muko.e.V.). Criteria applied: PVS1, PM2_SUP, PP4